The following is an entry in ClinVar:

NM_020822.3(KCNT1):c.2523-294C>A

Gene: KCNT1 (potassium sodium-activated channel subfamily T member 1; plus strand). Cytogenetic location: 9q34.3.
Variant type: single nucleotide variant.
Coding change: c.2523-294C>A on transcript NM_020822.3 (MANE Select); 294 bases into the intron before coding-DNA position 2523, C replaced by A.
Molecular consequence: intron variant.
Genome position (GRCh38, 1-based): chr9:135,778,130, C>A. VCF-style: chr9-135778130-C-A. GRCh37 (hg19) VCF-style: chr9-138669976-C-A.
Other names: c.2388-294C>A (NM_001272003.2).
Identifiers: ClinVar variation 683571 (VCV000683571.1), dbSNP rs10776845, ClinGen allele CA15613065.

ClinVar aggregate classification (germline): Benign (1 of 4 stars; one submission).

Allele frequency attached by ClinVar (database versions not stated): 1000 Genomes Project 0.25938; 1000 Genomes Project 30x 0.26062; gnomAD 0.26196 and 0.26560; TOPMed 0.27182.
gnomAD v4.1: 39,736 of 152,104 alleles (26%); highest among the groups gnomAD compares: African/African-American, 39%; 5,751 homozygotes.

Submission:

GeneDx
Classification: Benign. Last evaluated: 2018-06-19. Review status: criteria provided, single submitter. Criteria: GeneDx Variant Classification (06012015). Collection method: clinical testing. Allele origin: germline. Affected: yes.
Comment: This variant is considered likely benign or benign based on one or more of the following criteria: it is a conservative change, it occurs at a poorly conserved position in the protein, it is predicted to be benign by multiple in silico algorithms, and/or has population frequency not consistent with disease.